The following is an entry in ClinVar:

NM_003126.4(SPTA1):c.6061C>T (p.Leu2021=)

Gene: SPTA1 (spectrin alpha, erythrocytic 1; minus strand). Cytogenetic location: 1q23.1.
Variant type: single nucleotide variant.
Coding change: c.6061C>T on transcript NM_003126.4 (MANE Select); coding-DNA position 6061, C replaced by T.
Protein change: p.Leu2021=; no amino-acid change (leucine 2021 retained).
Molecular consequence: synonymous variant.
Genome position (GRCh38, 1-based): chr1:158,623,042, G>A on the plus strand (C>T on the coding strand, the complement: SPTA1 is on the minus strand). VCF-style: chr1-158623042-G-A. GRCh37 (hg19) VCF-style: chr1-158592832-G-A.
Identifiers: ClinVar variation 2639473 (VCV002639473.24), dbSNP rs1026439787, ClinGen allele CA31257234.

ClinVar aggregate classification (germline): Likely benign (1 of 4 stars; one submission).

Allele frequency attached by ClinVar (database versions not stated): TOPMed 0.00001.
gnomAD v4.1: 9 of 1,614,178 alleles (0.00056%); highest among the groups gnomAD compares: Non-Finnish European, 0.00076%; no homozygotes.

Submission:

CeGaT Center for Human Genetics Tuebingen
Classification: Likely benign. Last evaluated: 2023-01-01. Review status: criteria provided, single submitter. Criteria: CeGaT Center For Human Genetics Tuebingen Variant Classification Criteria Version 2. Collection method: clinical testing. Allele origin: germline. Affected: yes. Observed: 1 variant allele.
Comment: SPTA1: BP4, BP7